The following is an entry in ClinVar:

ClinVar aggregate classification (germline): Benign. Review status: criteria provided, multiple submitters, no conflicts (2 of 4 stars). 3 submissions from 3 submitters: Benign (3). Last evaluated 2024-12-01.

Allele frequency attached by ClinVar (database versions not stated): 1000 Genomes Project 0.00140; 1000 Genomes Project 30x 0.00156; TOPMed 0.00616; gnomAD 0.00620 and 0.00645; gnomAD exomes 0.00715 and 0.01100; ExAC 0.00772; ESP Exome Variant Server 0.00800.
gnomAD v4.1: 16,925 of 1,613,558 alleles (1%); highest among the groups gnomAD compares: Non-Finnish European, 1.3%; 115 homozygotes.

Submissions (3):

CeGaT Center for Human Genetics Tuebingen
Classification: Benign. Last evaluated: 2024-12-01. Review status: criteria provided, single submitter. Criteria: CeGaT Center For Human Genetics Tuebingen Variant Classification Criteria Version 2. Collection method: clinical testing. Allele origin: germline. Affected: yes. Observed: 1 variant allele.
Comment: ESS2: BP4, BS1, BS2

Labcorp Genetics (formerly Invitae), Labcorp
Classification: Benign. Last evaluated: 2019-12-31. Review status: criteria provided, single submitter. Criteria: Invitae Variant Classification Sherloc (09022015). Collection method: clinical testing. Allele origin: germline.

Breakthrough Genomics
Classification: Benign. Review status: criteria provided, single submitter. Criteria: ACMG Guidelines, 2015. Collection method: not provided. Allele origin: germline. Inheritance: Unknown mechanism. Affected: yes.

NM_022719.3(ESS2):c.296C>T (p.Pro99Leu)

Gene: ESS2 (ess-2 spliceosome associated protein; minus strand). Cytogenetic location: 22q11.21.
Variant type: single nucleotide variant.
Coding change: c.296C>T on transcript NM_022719.3 (MANE Select); coding-DNA position 296, C replaced by T.
Protein change: p.Pro99Leu; replaces proline 99 with leucine.
Molecular consequence: missense variant. On other transcripts: non-coding transcript variant (1).
Genome position (GRCh38, 1-based): chr22:19,142,734, G>A on the plus strand (C>T on the coding strand, the complement: ESS2 is on the minus strand). VCF-style: chr22-19142734-G-A. GRCh37 (hg19) VCF-style: chr22-19130247-G-A.
Other names: short protein forms P99L.
Identifiers: ClinVar variation 771939 (VCV000771939.18), dbSNP rs111488352, ClinGen allele CA10096993.